The following is an entry in ClinVar:

NM_000257.4(MYH7):c.3483C>G (p.Ile1161Met)

Gene: MYH7 (myosin heavy chain 7; minus strand). Cytogenetic location: 14q11.2.
Variant type: single nucleotide variant.
Coding change: c.3483C>G on transcript NM_000257.4 (MANE Select); coding-DNA position 3483, C replaced by G.
Protein change: p.Ile1161Met; replaces isoleucine 1161 with methionine.
Molecular consequence: missense variant.
Genome position (GRCh38, 1-based): chr14:23,420,088, G>C on the plus strand (C>G on the coding strand, the complement: MYH7 is on the minus strand). VCF-style: chr14-23420088-G-C. GRCh37 (hg19) VCF-style: chr14-23889297-G-C.
Other names: short protein forms I1161M.
Identifiers: ClinVar variation 628801 (VCV000628801.14), dbSNP rs778909719, ClinGen allele CA037569.

ClinVar aggregate classification (germline): Uncertain significance. Review status: criteria provided, multiple submitters, no conflicts (2 of 4 stars). 5 submissions from 5 submitters: Uncertain significance (5). Last evaluated 2025-12-28.

Conditions:
Cardiovascular phenotype. Identifiers: MedGen CN230736.
Cardiomyopathy (CMYO). Also called: Cardiomyopathies. Identifiers: Orphanet 167848, MedGen C0878544, MONDO:0004994, HP:0001638. Inheritance: Various modes of inheritance.
Hypertrophic cardiomyopathy. Also called: HYPERTROPHIC MYOCARDIOPATHY. Identifiers: Orphanet 217569, MedGen C0007194, MeSH D002312, MONDO:0005045, HP:0001639.

Allele frequency attached by ClinVar (database versions not stated): gnomAD exomes 0.00001; TOPMed 0.00001; ExAC 0.00002.
gnomAD v4.1: 6 of 1,599,166 alleles (0.00038%); highest among the groups gnomAD compares: East Asian, 0.0022%; no homozygotes.

Submissions (5):

Labcorp Genetics (formerly Invitae), Labcorp
Classification: Uncertain significance for Hypertrophic cardiomyopathy. Last evaluated: 2025-12-28. Review status: criteria provided, single submitter. Criteria: Invitae Variant Classification Sherloc (09022015). Collection method: clinical testing. Allele origin: germline.
Comment: This sequence change replaces isoleucine, which is neutral and non-polar, with methionine, which is neutral and non-polar, at codon 1161 of the MYH7 protein (p.Ile1161Met). This variant is present in population databases (rs778909719, gnomAD 0.02%). This variant has not been reported in the literature in individuals affected with MYH7-related conditions. ClinVar contains an entry for this variant (Variation ID: 628801). Invitae Evidence Modeling of protein sequence and biophysical properties (such as structural, functional, and spatial information, amino acid conservation, physicochemical variation, residue mobility, and thermodynamic stability) has been performed for this missense variant. However, the output from this modeling did not meet the statistical confidence thresholds required to predict the impact of this variant on MYH7 protein function. In summary, the available evidence is currently insufficient to determine the role of this variant in disease. Therefore, it has been classified as a Variant of Uncertain Significance.

Ambry Genetics
Classification: Uncertain significance for Cardiovascular phenotype. Last evaluated: 2025-10-27. Review status: criteria provided, single submitter. Criteria: Ambry Variant Classification Scheme 2023. Collection method: clinical testing. Allele origin: germline.
Comment: The p.I1161M variant (also known as c.3483C>G), located in coding exon 25 of the MYH7 gene, results from a C to G substitution at nucleotide position 3483. The isoleucine at codon 1161 is replaced by methionine, an amino acid with highly similar properties. This amino acid position is highly conserved in available vertebrate species. In addition, the in silico prediction for this alteration is inconclusive. Based on the available evidence, the clinical significance of this variant remains unclear.

Color Diagnostics, LLC DBA Color Health
Classification: Uncertain significance for Cardiomyopathy. Last evaluated: 2025-10-21. Review status: criteria provided, single submitter. Criteria: ACMG Guidelines, 2015. Collection method: clinical testing. Allele origin: germline.
Comment: This missense variant replaces isoleucine with methionine at codon 1161 of the MYH7 protein. Computational prediction is inconclusive regarding the impact of this variant on protein structure and function. To our knowledge, functional studies have not been reported for this variant. This variant has not been reported in individuals affected with MYH7-related disorders in the literature. This variant has been identified in 6/1599166 chromosomes in the general population by the Genome Aggregation Database (gnomAD). The available evidence is insufficient to determine the role of this variant in disease conclusively. Therefore, this variant is classified as a Variant of Uncertain Significance.

Blueprint Genetics
Classification: Uncertain significance. Last evaluated: 2024-08-15. Review status: criteria provided, single submitter. Criteria: ACMG Guidelines, 2015. Collection method: clinical testing. Allele origin: germline.

All of Us Research Program, National Institutes of Health
Classification: Uncertain significance for Cardiomyopathy. Last evaluated: 2023-08-25. Review status: criteria provided, single submitter. Criteria: ACMG Guidelines, 2015. Collection method: clinical testing. Allele origin: germline. Inheritance: Autosomal dominant inheritance. Observed: 4 variant alleles, 4 heterozygotes.
Comment: This missense variant replaces isoleucine with methionine at codon 1161 of the MYH7 protein. Computational prediction is inconclusive regarding the impact of this variant on protein structure and function (internally defined REVEL score threshold 0.5 < inconclusive < 0.7, PMID: 27666373). To our knowledge, functional studies have not been reported for this variant. This variant has not been reported in individuals affected with MYH7-related disorders in the literature. This variant has been identified in 3/231206 chromosomes in the general population by the Genome Aggregation Database (gnomAD). The available evidence is insufficient to determine the role of this variant in disease conclusively. Therefore, this variant is classified as a Variant of Uncertain Significance.

This study involves interpretation of variants in research participants for the purpose of population health screening. Participant phenotype was not available at the time of variant classification. Additional details can be found in publication PMID: 35346344, PMCID: PMC8962531